The following is an entry in ClinVar:

NM_006904.7(PRKDC):c.9111+5del

Gene: PRKDC (protein kinase, DNA-activated, catalytic subunit; minus strand). Cytogenetic location: 8q11.21.
Variant type: Deletion.
Coding change: c.9111+5del on transcript NM_006904.7 (MANE Select); 5 bases into the intron after coding-DNA position 9111, one base deleted (G; older notation c.9111+5delG).
Molecular consequence: intron variant.
Genome position (GRCh38, 1-based): chr8:47,821,599, C deleted on the plus strand (G on the coding strand, the reverse complement: PRKDC is on the minus strand); the first of 3 consecutive C bases (chr8:47,821,599-47,821,601); deleting any one gives the same sequence. VCF-style (leftmost placement, unchanged base first): chr8-47821598-AC-A. GRCh37 (hg19) VCF-style: chr8-48734159-AC-A.
Other names: c.9111+5del (NM_001081640.2).
Identifiers: ClinVar variation 1374646 (VCV001374646.3), dbSNP rs2087597154, ClinGen allele CA1781843042.

ClinVar aggregate classification (germline): Uncertain significance (1 of 4 stars; one submission).

Conditions:
Severe combined immunodeficiency due to DNA-PKcs deficiency. Also called: IMMUNODEFICIENCY 26 WITH NEUROLOGIC ABNORMALITIES; Immunodeficiency 26 with or without neurologic abnormalities. Identifiers: Orphanet 317425, MedGen C4014833, MONDO:0014423, OMIM 615966.

Submission:

Labcorp Genetics (formerly Invitae), Labcorp
Classification: Uncertain significance for Severe combined immunodeficiency due to DNA-PKcs deficiency. Last evaluated: 2022-10-04. Review status: criteria provided, single submitter. Criteria: Invitae Variant Classification Sherloc (09022015). Collection method: clinical testing. Allele origin: germline.
Comment: This sequence change falls in intron 65 of the PRKDC gene. It does not directly change the encoded amino acid sequence of the PRKDC protein. It affects a nucleotide within the consensus splice site. This variant is not present in population databases (gnomAD no frequency). This variant has not been reported in the literature in individuals affected with PRKDC-related conditions. ClinVar contains an entry for this variant (Variation ID: 1374646). Variants that disrupt the consensus splice site are a relatively common cause of aberrant splicing (PMID: 17576681, 9536098). Algorithms developed to predict the effect of sequence changes on RNA splicing suggest that this variant may create or strengthen a splice site. In summary, the available evidence is currently insufficient to determine the role of this variant in disease. Therefore, it has been classified as a Variant of Uncertain Significance.

Literature cited by the submitters: PubMed 17576681; PubMed 9536098.